The following is an entry in ClinVar:

NM_001330701.2(AGTPBP1):c.1606C>T (p.Arg536Ter)

Gene: AGTPBP1 (ATP/GTP binding carboxypeptidase 1; minus strand). Cytogenetic location: 9q21.33.
Variant type: single nucleotide variant.
Coding change: c.1606C>T on transcript NM_001330701.2 (MANE Select); coding-DNA position 1606, C replaced by T.
Protein change: p.Arg536Ter; replaces arginine 536 with a stop codon.
Molecular consequence: nonsense.
Genome position (GRCh38, 1-based): chr9:85,633,071, G>A on the plus strand (C>T on the coding strand, the complement: AGTPBP1 is on the minus strand). VCF-style: chr9-85633071-G-A. GRCh37 (hg19) VCF-style: chr9-88247986-G-A.
Other names: c.1762C>T, p.Arg588Ter (NM_001286715.1); c.1642C>T, p.Arg548Ter (NM_001286717.1); c.1486C>T, p.Arg496Ter (NM_015239.3); short protein forms R496*, R588*, R536*, R548*.
Identifiers: ClinVar variation 1029296 (VCV001029296.1), dbSNP rs747285262, ClinGen allele CA5106482.

ClinVar aggregate classification (germline): Likely pathogenic (1 of 4 stars; one submission).

Conditions:
Neurodegeneration, childhood-onset, with cerebellar atrophy. Identifiers: MedGen C4748934, MONDO:0032650, OMIM 618276.

Allele frequency attached by ClinVar (database versions not stated): gnomAD exomes below 0.00001 and 0.00001; TOPMed below 0.00001; ExAC 0.00002.
gnomAD v4.1: 4 of 1,614,076 alleles (0.00025%); highest among the groups gnomAD compares: Non-Finnish European, 0.00025%; no homozygotes.

Submission:

Baylor Genetics
Classification: Likely pathogenic for Neurodegeneration, childhood-onset, with cerebellar atrophy. Last evaluated: 2020-05-05. Review status: criteria provided, single submitter. Criteria: ACMG Guidelines, 2015. Collection method: clinical testing. Allele origin: unknown. Affected: yes.
Comment: This variant was determined to be likely pathogenic according to ACMG Guidelines, 2015 [PMID:25741868].